The following is an entry in ClinVar:

ClinVar aggregate classification (germline): Likely benign (1 of 4 stars; one submission).

Submission:

GeneDx
Classification: Likely benign. Last evaluated: 2018-03-21. Review status: criteria provided, single submitter. Criteria: GeneDx Variant Classification (06012015). Collection method: clinical testing. Allele origin: germline. Affected: yes.
Comment: This variant is considered likely benign or benign based on one or more of the following criteria: it is a conservative change, it occurs at a poorly conserved position in the protein, it is predicted to be benign by multiple in silico algorithms, and/or has population frequency not consistent with disease.

NM_003070.5(SMARCA2):c.791-6C>T

Gene: SMARCA2 (SWI/SNF related, matrix associated, actin dependent regulator of chromatin, subfamily a, member 2; plus strand). Cytogenetic location: 9p24.3.
Variant type: single nucleotide variant.
Coding change: c.791-6C>T on transcript NM_003070.5 (MANE Select); 6 bases into the intron before coding-DNA position 791, C replaced by T.
Molecular consequence: intron variant.
Genome position (GRCh38, 1-based): chr9:2,047,223, C>T. VCF-style: chr9-2047223-C-T. GRCh37 (hg19) VCF-style: chr9-2047223-C-T.
Other names: c.791-6C>T (NM_139045.4, NM_001289397.2, NM_001289396.2).
Identifiers: ClinVar variation 680332 (VCV000680332.1), dbSNP rs1586644704, ClinGen allele CA915948700.
Genomic context (GRCh38, chr9:2,047,223, plus strand): 5'-GCAGGCCGGGTGTGGCCCGCGGGGCGCCGTCCCGCCCGAGCTGCCCATGTCGCTCTTGTC[C>T]CGCAGGCCCGGGGCCGGAGCTGAGCGGCCCGAGCACCCCGCAGAAGCTGCCGGTGCCCGC-3'